The following is an entry in ClinVar:

NM_004813.4(PEX16):c.888-3C>A

Gene: PEX16 (peroxisomal biogenesis factor 16; minus strand). Cytogenetic location: 11p11.2.
Variant type: single nucleotide variant.
Coding change: c.888-3C>A on transcript NM_004813.4 (MANE Select); 3 bases into the intron before coding-DNA position 888, C replaced by A.
Molecular consequence: intron variant.
Genome position (GRCh38, 1-based): chr11:45,910,965, G>T on the plus strand (C>A on the coding strand, the complement: PEX16 is on the minus strand). VCF-style: chr11-45910965-G-T. GRCh37 (hg19) VCF-style: chr11-45932516-G-T.
Other names: c.888-3C>A (NM_057174.3).
Identifiers: ClinVar variation 2121538 (VCV002121538.4), dbSNP rs201479358, ClinGen allele CA2580084298.

ClinVar aggregate classification (germline): Uncertain significance (1 of 4 stars; one submission).

Conditions:
Peroxisome biogenesis disorder. Identifiers: Orphanet 79189, MedGen C1832200, MONDO:0019234. Disease mechanism: loss of function.

Allele frequency attached by ClinVar (database versions not stated): gnomAD exomes below 0.00001.
gnomAD v4.1: 1 of 1,612,532 alleles (0.000062%); highest among the groups gnomAD compares: Non-Finnish European, 0.000085%; no homozygotes.

Submission:

Labcorp Genetics (formerly Invitae), Labcorp
Classification: Uncertain significance for Peroxisome biogenesis disorder. Last evaluated: 2023-07-07. Review status: criteria provided, single submitter. Criteria: Invitae Variant Classification Sherloc (09022015). Collection method: clinical testing. Allele origin: germline.
Comment: This sequence change falls in intron 9 of the PEX16 gene. It does not directly change the encoded amino acid sequence of the PEX16 protein. It affects a nucleotide within the consensus splice site. This variant is not present in population databases (gnomAD no frequency). This variant has not been reported in the literature in individuals affected with PEX16-related conditions. ClinVar contains an entry for this variant (Variation ID: 2121538). Variants that disrupt the consensus splice site are a relatively common cause of aberrant splicing (PMID: 17576681, 9536098). Algorithms developed to predict the effect of sequence changes on RNA splicing suggest that this variant is not likely to affect RNA splicing. In summary, the available evidence is currently insufficient to determine the role of this variant in disease. Therefore, it has been classified as a Variant of Uncertain Significance.

Literature cited by the submitters: PubMed 17576681; PubMed 9536098.